The following is an entry in ClinVar:

NM_000179.3(MSH6):c.1723G>C (p.Asp575His)

Gene: MSH6 (mutS homolog 6; plus strand). Cytogenetic location: 2p16.3.
Variant type: single nucleotide variant.
Coding change: c.1723G>C on transcript NM_000179.3 (MANE Select); coding-DNA position 1723, G replaced by C.
Protein change: p.Asp575His; replaces aspartic acid 575 with histidine.
Molecular consequence: missense variant.
Genome position (GRCh38, 1-based): chr2:47,799,706, G>C. VCF-style: chr2-47799706-G-C. GRCh37 (hg19) VCF-style: chr2-48026845-G-C.
Other names: c.1333G>C, p.Asp445His (NM_001281492.2); c.817G>C, p.Asp273His (NM_001281493.2, NM_001281494.2); short protein forms D273H, D445H, D575H.
Identifiers: ClinVar variation 925803 (VCV000925803.11), dbSNP rs863224619, ClinGen allele CA346748694.

ClinVar aggregate classification (germline): Uncertain significance. Review status: criteria provided, multiple submitters, no conflicts (2 of 4 stars). 3 submissions from 3 submitters: Uncertain significance (3). Last evaluated 2026-08-11.

Conditions:
Hereditary nonpolyposis colorectal neoplasms. Identifiers: MedGen C0009405, MeSH D003123.
Hereditary cancer-predisposing syndrome. Also called: Neoplastic Syndromes, Hereditary; Hereditary Cancer Syndrome; Tumor predisposition; Hereditary neoplastic syndrome. Identifiers: Orphanet 140162, MedGen C0027672, MeSH D009386, MONDO:0015356.

Submissions (3):

Ambry Genetics
Classification: Uncertain significance for Hereditary cancer-predisposing syndrome. Last evaluated: 2026-08-11. Review status: criteria provided, single submitter. Criteria: Ambry Variant Classification Scheme 2023. Collection method: clinical testing. Allele origin: germline.
Comment: The p.D575H variant (also known as c.1723G>C), located in coding exon 4 of the MSH6 gene, results from a G to C substitution at nucleotide position 1723. The aspartic acid at codon 575 is replaced by histidine, an amino acid with similar properties. This amino acid position is highly conserved in available vertebrate species. In addition, this alteration is predicted to be deleterious by in silico analysis. Based on the available evidence, the clinical significance of this variant remains unclear.

Labcorp Genetics (formerly Invitae), Labcorp
Classification: Uncertain significance for Hereditary nonpolyposis colorectal neoplasms. Last evaluated: 2024-09-23. Review status: criteria provided, single submitter. Criteria: Invitae Variant Classification Sherloc (09022015). Collection method: clinical testing. Allele origin: germline.
Comment: This sequence change replaces aspartic acid, which is acidic and polar, with histidine, which is basic and polar, at codon 575 of the MSH6 protein (p.Asp575His). This variant is not present in population databases (gnomAD no frequency). This variant has not been reported in the literature in individuals affected with MSH6-related conditions. ClinVar contains an entry for this variant (Variation ID: 925803). Invitae Evidence Modeling of protein sequence and biophysical properties (such as structural, functional, and spatial information, amino acid conservation, physicochemical variation, residue mobility, and thermodynamic stability) indicates that this missense variant is expected to disrupt MSH6 protein function with a positive predictive value of 95%. In summary, the available evidence is currently insufficient to determine the role of this variant in disease. Therefore, it has been classified as a Variant of Uncertain Significance.

Color Diagnostics, LLC DBA Color Health
Classification: Uncertain significance for Hereditary cancer-predisposing syndrome. Last evaluated: 2023-12-04. Review status: criteria provided, single submitter. Criteria: ACMG Guidelines, 2015. Collection method: clinical testing. Allele origin: germline.
Comment: This missense variant replaces aspartic acid with histidine at codon 575 of the MSH6 protein. Computational prediction suggests that this variant may have deleterious impact on protein structure and function (internally defined REVEL score threshold >= 0.7, PMID: 27666373). To our knowledge, functional studies have not been reported for this variant. This variant has not been reported in individuals affected with MSH6-related disorders in the literature. This variant has not been identified in the general population by the Genome Aggregation Database (gnomAD). The available evidence is insufficient to determine the role of this variant in disease conclusively. Therefore, this variant is classified as a Variant of Uncertain Significance.